The following is an entry in ClinVar:

NM_001256470.2(PLEKHA5):c.10G>A (p.Asp4Asn)

Gene: PLEKHA5 (pleckstrin homology domain containing A5; plus strand). Cytogenetic location: 12p12.3.
Variant type: single nucleotide variant.
Coding change: c.10G>A on transcript NM_001256470.2 (MANE Select); coding-DNA position 10, G replaced by A.
Protein change: p.Asp4Asn; replaces aspartic acid 4 with asparagine.
Molecular consequence: missense variant. On other transcripts: non-coding transcript variant (6).
Genome position (GRCh38, 1-based): chr12:19,129,809, G>A. VCF-style: chr12-19129809-G-A. GRCh37 (hg19) VCF-style: chr12-19282743-G-A.
Other names: c.10G>A, p.Asp4Asn (NM_001143821.3, NM_001190860.3, NM_001385923.1 and 19 more transcripts); short protein forms D4N.
Identifiers: ClinVar variation 3054631 (VCV003054631.2), dbSNP rs78739424, ClinGen allele CA6471892.

ClinVar aggregate classification (germline): Likely benign (0 of 4 stars; one submission).

Conditions:
PLEKHA5-related disorder. Also called: PLEKHA5-related condition.

Allele frequency attached by ClinVar (database versions not stated): gnomAD exomes 0.00011; gnomAD 0.00015; TOPMed 0.00023; ExAC 0.00039; 1000 Genomes Project 30x 0.00062; 1000 Genomes Project 0.00080.
gnomAD v4.1: 186 of 1,600,452 alleles (0.012%); highest among the groups gnomAD compares: East Asian, 0.38%; no homozygotes.

Submission:

PreventionGenetics, part of Exact Sciences
Classification: Likely benign for PLEKHA5-related condition. Last evaluated: 2023-11-03. Review status: no assertion criteria provided. Collection method: clinical testing. Allele origin: germline.
Comment: This variant is classified as likely benign based on ACMG/AMP sequence variant interpretation guidelines (Richards et al. 2015 PMID: 25741868, with internal and published modifications).